The following is an entry in ClinVar:

NC_012920.1(MT-TV):m.1624C>T

Gene: MT-TV (mitochondrially encoded tRNA valine; plus strand).
Variant type: single nucleotide variant.
Genome position: chrM-1624-C-T.
Other names: 1624C-T.
Identifiers: ClinVar variation 9549 (VCV000009549.11), dbSNP rs199476144, ClinGen allele CA120537.

ClinVar aggregate classification (germline): Likely pathogenic. Review status: reviewed by expert panel (3 of 4 stars). 5 submissions from 5 submitters: Likely pathogenic (1). 4 of the submissions do not count toward it. Last evaluated 2024-09-24.

Conditions:
Leigh syndrome, mitochondrial. Identifiers: MedGen CN377802, MONDO:0970944, OMIM 500017.
Mitochondrial disease. Also called: Mitochondrial disorder; Mitochondrial disorders. Identifiers: Orphanet 68380, MedGen C0751651, MeSH D028361, MONDO:0044970.
MELAS syndrome (MELAS). Also called: Juvenile myopathy, encephalopathy, lactic acidosis, stroke. Identifiers: Orphanet 550, MedGen C0162671, MONDO:0010789, OMIM 540000.
Leigh syndrome (NULS). Also called: Leigh's necrotizing encephalopathy; Leigh's disease; Leigh's syndrome; LEIGH SYNDROME, NUCLEAR; Leigh Disease; Leigh Syndrome (mtDNA deletion). Identifiers: Orphanet 506, MedGen C2931891, MONDO:0009723, OMIM 256000.

Submissions (5):

ClinGen Mitochondrial Disease Nuclear and Mitochondrial  Variant Curation Expert Panel, ClinGen
Classification: Likely pathogenic for Mitochondrial disease. Last evaluated: 2024-09-24. Review status: reviewed by expert panel. Criteria: clingen mito disease acmg specifications v1-1. Collection method: curation. Allele origin: germline. Inheritance: Mitochondrial inheritance.
Comment: The m.1624C>T variant in MT-TV has been reported in two families with primary mitochondrial disease (PMIDs: 11799391, 23063709). The variant was present in her blood at 17% (PMID: 23063709). Additionally, an Expert Panel member knew of an additional two cases (one baby, one adult) who were very ill and had the variant present at homoplasmy (PS4_moderate). There are no de novo occurrences of this variant reported to our knowledge. This variant is absent in MITOMAP. There are no homoplasmic occurrences in gnomAD v3.1.2 or the Helix dataset, however there is one heteroplasmic occurrence in gnomAD and two heteroplasmic occurrences in Helix. Although there are several heteroplasmic occurrences, the frequency is still low (PM2_supporting). The computational predictor MitoTIP suggests this variant is pathogenic (68.7 percentile) and HmtVAR predicts it to be pathogenic score of 0.45 (PP3). Strong cybrid studies and analysis in patient myoblasts and fibroblasts support the functional impact of this variant (PS3_moderate; PMID: 18400783). In summary, this variant meets criteria to be classified as likely pathogenic for primary mitochondrial disease inherited in a mitochondrial manner. This classification was approved by the NICHD/NINDS U24 ClinGen Mitochondrial Disease Variant Curation Expert Panel on September 24, 2024. Mitochondrial DNA-specific ACMG/AMP criteria applied (PMID: 32906214): PS4_moderate, PS3_moderate, PM2_supporting, PP3.

Mendelics
Classification: Pathogenic for MELAS syndrome. Last evaluated: 2022-05-04. Review status: criteria provided, single submitter. Criteria: Mendelics Assertion Criteria 2019. Collection method: clinical testing. Allele origin: germline. Not counted in ClinVar's aggregate classification.

Wong Mito Lab, Molecular and Human Genetics, Baylor College of Medicine
Classification: Likely pathogenic for MELAS syndrome. Last evaluated: 2019-07-12. Review status: criteria provided, single submitter. Criteria: Modified ACMG Guidelines (Unpublished). Collection method: clinical testing. Allele origin: germline. Not counted in ClinVar's aggregate classification.
Comment: The NC_012920.1:m.1624C>T variant in MT-TV gene is interpreted to be a Likely Pathogenic variant based on the modified ACMG guidelines (unpublished). This variant meets the following evidence codes reported in the guidelines: PS3, PP3, PP4

OMIM
Classification: Pathogenic for LEIGH SYNDROME, MITOCHONDRIAL (1 family). Last evaluated: 2002-02-01. Review status: no assertion criteria provided. Collection method: literature only. Allele origin: germline. Not counted in ClinVar's aggregate classification.

GeneReviews
No classification provided. Condition: Leigh syndrome. Review status: no classification provided. Collection method: literature only. Allele origin: germline. Not counted in ClinVar's aggregate classification.

Literature cited by the submitters: PubMed 18400783 (cited by ClinGen Mitochondrial Disease Nuclear and Mitochondrial  Variant Curation Expert Panel, ClinGen and Wong Mito Lab, Molecular and Human Genetics, Baylor College of Medicine); PubMed 31965079 (cited by Wong Mito Lab, Molecular and Human Genetics, Baylor College of Medicine); PubMed 11799391 (cited by Wong Mito Lab, Molecular and Human Genetics, Baylor College of Medicine and OMIM); PubMed 17886296 (cited by Wong Mito Lab, Molecular and Human Genetics, Baylor College of Medicine); PubMed 25652200 (cited by Wong Mito Lab, Molecular and Human Genetics, Baylor College of Medicine); NCBI Bookshelf NBK1173 (cited by GeneReviews).